The following is an entry in ClinVar:

NM_000020.3(ACVRL1):c.435del (p.Arg146fs)

Gene: ACVRL1 (activin A receptor like type 1; plus strand). Cytogenetic location: 12q13.13.
Variant type: Deletion.
Coding change: c.435del on transcript NM_000020.3 (MANE Select); coding-DNA position 435, one base deleted (G; older notation c.435delG).
Protein change: p.Arg146fs; shifts the reading frame from arginine 146.
Molecular consequence: frameshift variant.
Genome position (GRCh38, 1-based): chr12:51,913,680, G deleted; the last of 2 consecutive G bases (chr12:51,913,679-51,913,680); deleting either gives the same sequence. VCF-style (leftmost placement, unchanged base first): chr12-51913678-CG-C. GRCh37 (hg19) VCF-style: chr12-52307462-CG-C.
Other names: c.435del, p.Arg146fs (NM_001077401.2); short protein forms R146fs.
Identifiers: ClinVar variation 1698947 (VCV001698947.3), dbSNP rs2139067539, ClinGen allele CA2573131741.

ClinVar aggregate classification (germline): Pathogenic (1 of 4 stars; one submission).

Conditions:
Telangiectasia, hereditary hemorrhagic, type 2 (HHT2). Also called: Telangiectasia, hereditary hemorrhagic, type II; ACVRL1-Related Hereditary Hemorrhagic Telangiectasia. Identifiers: Orphanet 774, MedGen C1838163, MONDO:0010880, OMIM 600376. Disease mechanism: loss of function.

Submission:

Victorian Clinical Genetics Services, Murdoch Childrens Research Institute
Classification: Pathogenic for Telangiectasia, hereditary hemorrhagic, type 2. Last evaluated: 2022-02-02. Review status: criteria provided, single submitter. Criteria: ACMG Guidelines, 2015. Collection method: clinical testing. Allele origin: germline. Inheritance: Autosomal dominant inheritance.
Comment: Based on the classification scheme VCGS_Germline_v1.3.4, this variant is classified as Pathogenic. Following criteria are met: 0103 - Dominant negative and loss of function are known mechanisms of disease in this gene and are associated with telangiectasia, hereditary hemorrhagic, type 2 (MIM#600376). PTC variants are known to cause disease through a loss of function mechanism, while missense variants are known to cause disease through either loss of function or dominant negative mechanisms (PMID: 26176610, PMID: 16470589, PMID: 16282348). (I) 0107 - This gene is associated with autosomal dominant disease. (I) 0115 - Variants in this gene are known to have variable expressivity. Clinical expression is known to be extremely variable and age-dependent (PMID: 19767588). (I) 0201 - Variant is predicted to cause nonsense-mediated decay (NMD) and loss of protein (premature termination codon is located at least 54 nucleotides upstream of the final exon-exon junction). (SP) 0251 - This variant is heterozygous. (I) 0301 - Variant is absent from gnomAD (both v2 and v3). (SP) 0701 - Other NMD predicted variants comparable to the one identified in this case have very strong previous evidence for pathogenicity. Other variants predicted to cause NMD have previously been reported in individuals with hereditary hemorrhagic telangiectasia (ClinVar, DECIPHER, PMID: 15993872, PMID: 16470589). (SP) 0807 - This variant has no previous evidence of pathogenicity. (I) 1208 - Inheritance information for this variant is not currently available in this individual. (I) Legend: (SP) - Supporting pathogenic, (I) - Information, (SB) - Supporting benign

Literature cited by the submitters: PubMed 15993872; PubMed 16282348; PubMed 16470589; PubMed 19767588; PubMed 26176610.